The following is an entry in ClinVar:

NM_144997.7(FLCN):c.*178A>G

Gene: FLCN (folliculin; minus strand). Cytogenetic location: 17p11.2.
Variant type: single nucleotide variant.
Coding change: c.*178A>G on transcript NM_144997.7 (MANE Select); 178 bases downstream of the stop codon, A replaced by G.
Molecular consequence: 3 prime UTR variant.
Genome position (GRCh38, 1-based): chr17:17,213,477, T>C on the plus strand (A>G on the coding strand, the complement: FLCN is on the minus strand). VCF-style: chr17-17213477-T-C. GRCh37 (hg19) VCF-style: chr17-17116791-T-C.
Other names: c.*178A>G (NM_001353229.2, NM_001353230.2, NM_001353231.2 and 1 more transcripts).
Identifiers: ClinVar variation 322060 (VCV000322060.5), dbSNP rs145430714, ClinGen allele CA10639022.
Genomic context (GRCh38, chr17:17,213,477, plus strand): 5'-GCCCATCATCCCTCCGCCTTTCATTGCCATCTTCAGCGATTCCAACGGCTGGAGGGAGAG[T>C]CTGGGAAGCACACAGGCCCCAAACCTGACAGGGCCGAGCCCAGCCCTGATGGTTTCCCTT-3'

ClinVar aggregate classification (germline): Conflicting classifications of pathogenicity. Review status: criteria provided, conflicting classifications (1 of 4 stars). 2 submissions from 1 submitter: Uncertain significance (1); Benign (1). Last evaluated 2018-01-13.

Conditions:
Familial spontaneous pneumothorax (PSP). Identifiers: Orphanet 2903, MedGen C1868193, MONDO:0008259, OMIM 173600.
Birt-Hogg-Dube syndrome. Also called: Birt Hogg Dubé syndrome. Identifiers: Orphanet 122, MedGen C0346010, MONDO:0800444.

Allele frequency attached by ClinVar (database versions not stated): gnomAD 0.00026 and 0.00030; TOPMed 0.00048; 1000 Genomes Project 0.00100; 1000 Genomes Project 30x 0.00125.
gnomAD v4.1: 253 of 751,630 alleles (0.034%); highest among the groups gnomAD compares: East Asian, 0.57%; 1 homozygote.

Submissions (2):

Illumina Laboratory Services, Illumina
Classification: Benign for Birt-Hogg-Dube syndrome 1. Last evaluated: 2018-01-13. Review status: criteria provided, single submitter. Criteria: ICSL Variant Classification Criteria 13 December 2019. Collection method: clinical testing. Allele origin: germline.
Comment: This variant was observed in the ICSL laboratory as part of a predisposition screen in an ostensibly healthy population. It had not been previously curated by ICSL or reported in the Human Gene Mutation Database (HGMD: prior to June 1st, 2018), and was therefore a candidate for classification through an automated scoring system. Utilizing variant allele frequency, disease prevalence and penetrance estimates, and inheritance mode, an automated score was calculated to assess if this variant is too frequent to cause the disease. Based on the score and internal cut-off values, a variant classified as benign is not then subjected to further curation. The score for this variant resulted in a classification of benign for this disease.

Illumina Laboratory Services, Illumina
Classification: Uncertain significance for Familial spontaneous pneumothorax. Last evaluated: 2018-01-13. Review status: criteria provided, single submitter. Criteria: ICSL Variant Classification Criteria 13 December 2019. Collection method: clinical testing. Allele origin: germline.